The following is an entry in ClinVar:

NM_001915.4(CYB561):c.606C>T (p.Asn202=)

Gene: CYB561 (cytochrome b561; minus strand). Cytogenetic location: 17q23.3.
Variant type: single nucleotide variant.
Coding change: c.606C>T on transcript NM_001915.4 (MANE Select); coding-DNA position 606, C replaced by T.
Protein change: p.Asn202=; no amino-acid change (asparagine 202 retained).
Molecular consequence: synonymous variant.
Genome position (GRCh38, 1-based): chr17:63,434,552, G>A on the plus strand (C>T on the coding strand, the complement: CYB561 is on the minus strand). VCF-style: chr17-63434552-G-A. GRCh37 (hg19) VCF-style: chr17-61511913-G-A.
Other names: c.606C>T, p.Asn202= (NM_001017916.2, NM_001017917.2); c.627C>T, p.Asn209= (NM_001330421.2).
Identifiers: ClinVar variation 3051792 (VCV003051792.2), dbSNP rs772551964, ClinGen allele CA8698637.
Genomic context (GRCh38, chr17:63,434,552, plus strand): 5'-GGCCCGGGTCAAGATGTAGAGCACCGCCCCACCGAAGCAGGCCAGCAGCAGGCCCAGCAC[G>A]TTGGCCAGGACACCCTCGGGCTCAAATGCGCTATACTTGCCCCTGCAGGGGTGAGAGGAA-3'
Protein context (NP_001906.3, residues 192-212): SAFEPEGVLA[Asn202=]VLGLLLACFG

ClinVar aggregate classification (germline): Likely benign (0 of 4 stars; one submission).

Conditions:
CYB561-related disorder. Also called: CYB561-related condition.

Allele frequency attached by ClinVar (database versions not stated): ExAC 0.00003.
gnomAD v4.1: 71 of 1,612,808 alleles (0.0044%); highest among the groups gnomAD compares: Non-Finnish European, 0.0056%; no homozygotes.

Submission:

PreventionGenetics, part of Exact Sciences
Classification: Likely benign for CYB561-related condition. Last evaluated: 2020-02-26. Review status: no assertion criteria provided. Collection method: clinical testing. Allele origin: germline.
Comment: This variant is classified as likely benign based on ACMG/AMP sequence variant interpretation guidelines (Richards et al. 2015 PMID: 25741868, with internal and published modifications).